The following is an entry in ClinVar:

NM_001135629.3(PPP1R21):c.87_88del (p.Gly30fs)

Gene: PPP1R21 (protein phosphatase 1 regulatory subunit 21; plus strand). Cytogenetic location: 2p16.3.
Variant type: Deletion.
Coding change: c.87_88del on transcript NM_001135629.3 (MANE Select); coding-DNA positions 87 to 88, 2 bases deleted (AG; older notation c.87_88delAG).
Protein change: p.Gly30fs; shifts the reading frame from glycine 30.
Molecular consequence: frameshift variant. On other transcripts: non-coding transcript variant (1).
Genome position (GRCh38, 1-based): chr2:48,451,037-48,451,038, AG deleted. VCF-style (leftmost placement, unchanged base first): chr2-48451036-AAG-A. GRCh37 (hg19) VCF-style: chr2-48678175-AAG-A.
Other names: c.87_88delAG (NM_001135629.3); c.87_88del, p.Gly30fs (NM_001193475.2, NM_152994.5); short protein forms G30fs.
Identifiers: ClinVar variation 1174146 (VCV001174146.2), dbSNP rs2103757235, ClinGen allele CA2499216163.

ClinVar aggregate classification (germline): Pathogenic. Review status: criteria provided, single submitter (1 of 4 stars). 2 submissions from 2 submitters: Pathogenic (1). 1 of the submissions does not count toward it. Last evaluated 2026-04-01.

Conditions:
Neurodevelopmental disorder with hypotonia, facial dysmorphism, and brain abnormalities (NEDHFBA). Also called: EL-HATTAB-SCHMIDTS SYNDROME; PPP1R21-Related El-Hattab-Schmidts Syndrome. Identifiers: MedGen C5543591, MONDO:0859165, OMIM 619383.

Submissions (2):

Department of Genetics, Sultan Qaboos University Hospital
Classification: Pathogenic for Neurodevelopmental disorder with hypotonia, facial dysmorphism, and brain abnormalities. Last evaluated: 2026-04-01. Review status: criteria provided, single submitter. Criteria: ACMG Guidelines, 2015. Collection method: clinical testing. Allele origin: germline. Affected: yes. Observed: 1 variant allele.
Comment: PM2_Supporting,PVS1,PP2_Moderate

OMIM
Classification: Pathogenic for NEURODEVELOPMENTAL DISORDER WITH HYPOTONIA, FACIAL DYSMORPHISM, AND BRAIN ABNORMALITIES. Last evaluated: 2021-06-25. Review status: no assertion criteria provided. Collection method: literature only. Allele origin: germline. Not counted in ClinVar's aggregate classification.

Literature cited by the submitters: PubMed 29808498 (cited by OMIM).